The following is an entry in ClinVar:

ClinVar aggregate classification (germline): Pathogenic. Review status: criteria provided, multiple submitters, no conflicts (2 of 4 stars). 2 submissions from 2 submitters: Pathogenic (2). Last evaluated 2023-08-21.

Conditions:
Hereditary nonpolyposis colorectal neoplasms. Identifiers: MedGen C0009405, MeSH D003123.
Lynch syndrome 5 (LYNCH5). Also called: Hereditary non-polyposis colorectal cancer, type 5; Colorectal cancer, hereditary nonpolyposis, type 5. Identifiers: Orphanet 144, MedGen C1833477, MONDO:0013710, OMIM 614350. Disease mechanism: loss of function.

Submissions (2):

Myriad Genetics, Inc.
Classification: Pathogenic for Lynch syndrome 5. Last evaluated: 2023-08-21. Review status: criteria provided, single submitter. Criteria: Myriad Autosomal Dominant, Autosomal Recessive and X-Linked Classification Criteria (2023). Collection method: clinical testing. Allele origin: unknown.
Comment: This variant is considered pathogenic. This variant creates a frameshift predicted to result in premature protein truncation.

Labcorp Genetics (formerly Invitae), Labcorp
Classification: Pathogenic for Hereditary nonpolyposis colorectal neoplasms. Last evaluated: 2023-03-31. Review status: criteria provided, single submitter. Criteria: Invitae Variant Classification Sherloc (09022015). Collection method: clinical testing. Allele origin: germline.
Comment: For these reasons, this variant has been classified as Pathogenic. This sequence change creates a premature translational stop signal (p.Gly963Asnfs*4) in the MSH6 gene. It is expected to result in an absent or disrupted protein product. Loss-of-function variants in MSH6 are known to be pathogenic (PMID: 18269114, 24362816). This variant is not present in population databases (gnomAD no frequency). This variant has not been reported in the literature in individuals affected with MSH6-related conditions.

Literature cited by the submitters: PubMed 18269114 (cited by Labcorp Genetics (formerly Invitae), Labcorp); PubMed 24362816 (cited by Labcorp Genetics (formerly Invitae), Labcorp).

NM_000179.3(MSH6):c.2883_2886dup (p.Gly963fs)

Gene: MSH6 (mutS homolog 6; plus strand). Cytogenetic location: 2p16.3.
Variant type: Duplication.
Coding change: c.2883_2886dup on transcript NM_000179.3 (MANE Select); coding-DNA positions 2883 to 2886, 4 bases duplicated (AATT; older notation c.2883_2886dupAATT).
Protein change: p.Gly963fs; shifts the reading frame from glycine 963.
Molecular consequence: frameshift variant. On other transcripts: non-coding transcript variant (5), intron variant (2).
Genome position (GRCh38, 1-based): chr2:47,800,866-47,800,869, AATT duplicated. VCF-style (leftmost placement, unchanged base first): chr2-47800865-G-GAATT. GRCh37 (hg19) VCF-style: chr2-48028004-G-GAATT.
Other names: c.2586_2589dup, p.Gly864fs (NM_001406830.1, NM_001406797.1, NM_001406801.1 and 10 more transcripts); c.828_831dup, p.Gly278fs (NM_001407362.1); c.2308+575_2308+578dup (NM_001406803.1); c.1606+1277_1606+1280dup (NM_001406817.1); c.2493_2496dup, p.Gly833fs (NM_001281492.2); c.1977_1980dup, p.Gly661fs (NM_001281493.2, NM_001281494.2, NM_001406811.1 and 6 more transcripts); c.2979_2982dup, p.Gly995fs (NM_001406795.1, NM_001406802.1); c.2883_2886dup, p.Gly963fs (NM_001406796.1, NM_001406798.1, NM_001406800.1 and 2 more transcripts); and 4 more; short protein forms G278fs, G661fs, G788fs, G833fs, G864fs, G907fs, G937fs, G963fs.
Identifiers: ClinVar variation 2673798 (VCV002673798.4), dbSNP rs2530699538, ClinGen allele CA2695200591.